The following is an entry in ClinVar:

ClinVar aggregate classification (germline): Pathogenic/Likely pathogenic. Review status: criteria provided, multiple submitters, no conflicts (2 of 4 stars). 3 submissions from 3 submitters: Pathogenic (2); Likely pathogenic (1). Last evaluated 2025-09-03.

Conditions:
TGFBR1-related disorder. Also called: TGFBR1-related condition.
Familial thoracic aortic aneurysm and aortic dissection (TAAD). Also called: Thoracic aortic aneurysms and dissections. Identifiers: Orphanet 91387, MedGen C4707243, MONDO:0019625.

Submissions (3):

Ambry Genetics
Classification: Pathogenic for Familial thoracic aortic aneurysm and aortic dissection. Last evaluated: 2025-09-03. Review status: criteria provided, single submitter. Criteria: Ambry Variant Classification Scheme 2023. Collection method: clinical testing. Allele origin: germline.
Comment: The p.R80* pathogenic mutation (also known as c.238C>T), located in coding exon 2 of the TGFBR1 gene, results from a C to T substitution at nucleotide position 238. This changes the amino acid from an arginine to a stop codon within coding exon 2. This variant is considered to be rare based on population cohorts in the Genome Aggregation Database (gnomAD). This alteration is expected to result in loss of function by premature protein truncation or nonsense-mediated mRNA decay. Based on the supporting evidence, this variant is pathogenic for an increased risk of multiple self-healing squamous epithelioma (MSSE); however, the association of this variant with TGFBR1-related Loeys-Dietz syndrome is unknown.

Labcorp Genetics (formerly Invitae), Labcorp
Classification: Pathogenic for Familial thoracic aortic aneurysm and aortic dissection. Last evaluated: 2024-09-15. Review status: criteria provided, single submitter. Criteria: Invitae Variant Classification Sherloc (09022015). Collection method: clinical testing. Allele origin: germline.
Comment: This sequence change creates a premature translational stop signal (p.Arg80*) in the TGFBR1 gene. It is expected to result in an absent or disrupted protein product. Loss-of-function variants in TGFBR1 are known to be pathogenic (PMID: 21358634). This variant is not present in population databases (gnomAD no frequency). This premature translational stop signal has been observed in individual(s) with multiple self-healing squamous epithelioma and/or non-melanoma skin cancer (PMID: 21358634, 32778766). This variant is also known as 9:101891277 C>T. Algorithms developed to predict the effect of sequence changes on RNA splicing suggest that this variant may disrupt the consensus splice site. For these reasons, this variant has been classified as Pathogenic.

Blueprint Genetics
Classification: Likely pathogenic for TGFBR1-related disorders. Last evaluated: 2022-02-09. Review status: criteria provided, single submitter. Criteria: ACMG Guidelines, 2015. Collection method: clinical testing. Allele origin: germline. Affected: yes. Observed: 1 variant allele.

Literature cited by the submitters: PubMed 21358634 (cited by Labcorp Genetics (formerly Invitae), Labcorp); PubMed 32778766 (cited by Labcorp Genetics (formerly Invitae), Labcorp).

NM_004612.4(TGFBR1):c.238C>T (p.Arg80Ter)

Gene: TGFBR1 (transforming growth factor beta receptor 1; plus strand). Cytogenetic location: 9q22.33.
Variant type: single nucleotide variant.
Coding change: c.238C>T on transcript NM_004612.4 (MANE Select); coding-DNA position 238, C replaced by T.
Protein change: p.Arg80Ter; replaces arginine 80 with a stop codon.
Molecular consequence: nonsense.
Genome position (GRCh38, 1-based): chr9:99,128,995, C>T. VCF-style: chr9-99128995-C-T. GRCh37 (hg19) VCF-style: chr9-101891277-C-T.
Other names: c.238C>T, p.Arg80Ter (NM_001130916.3, NM_001306210.2); short protein forms R80*.
Identifiers: ClinVar variation 2735307 (VCV002735307.5), dbSNP rs1827126921, ClinGen allele CA374225830.
Genomic context (GRCh38, chr9:99,128,995, plus strand): 5'-GAGACCACAGACAAAGTTATACACAACAGCATGTGTATAGCTGAAATTGACTTAATTCCT[C>T]GAGATAGGCCGTTTGTATGTGCACCCTCTTCAAAAACTGGGTCTGTGACTACAACATATT-3'